The following is an entry in ClinVar:

ClinVar aggregate classification (germline): Pathogenic/Likely pathogenic. Review status: criteria provided, multiple submitters, no conflicts (2 of 4 stars). 2 submissions from 2 submitters: Pathogenic (1); Likely pathogenic (1). Last evaluated 2024-03-20.

Conditions:
Fraser syndrome 1 (FRASRS1). Also called: CRYPTOPHTHALMOS WITH OTHER MALFORMATIONS. Identifiers: Orphanet 2052, MedGen C4551480, MONDO:0054737, OMIM 219000.

Allele frequency attached by ClinVar (database versions not stated): gnomAD exomes 0.00001.
gnomAD v4.1: 17 of 1,613,824 alleles (0.0011%); highest among the groups gnomAD compares: Non-Finnish European, 0.0014%; no homozygotes.

Submissions (2):

Fulgent Genetics
Classification: Likely pathogenic for Fraser syndrome 1. Last evaluated: 2024-03-20. Review status: criteria provided, single submitter. Criteria: ACMG Guidelines, 2015. Collection method: clinical testing. Allele origin: germline.

Labcorp Genetics (formerly Invitae), Labcorp
Classification: Pathogenic. Last evaluated: 2023-09-01. Review status: criteria provided, single submitter. Criteria: Invitae Variant Classification Sherloc (09022015). Collection method: clinical testing. Allele origin: germline.
Comment: For these reasons, this variant has been classified as Pathogenic. This variant has not been reported in the literature in individuals affected with FRAS1-related conditions. This variant is present in population databases (no rsID available, gnomAD 0.0009%). This sequence change creates a premature translational stop signal (p.Trp449*) in the FRAS1 gene. It is expected to result in an absent or disrupted protein product. Loss-of-function variants in FRAS1 are known to be pathogenic (PMID: 12766769, 18671281).

Literature cited by the submitters: PubMed 12766769 (cited by Labcorp Genetics (formerly Invitae), Labcorp); PubMed 18671281 (cited by Labcorp Genetics (formerly Invitae), Labcorp).

NM_025074.7(FRAS1):c.1346G>A (p.Trp449Ter)

Gene: FRAS1 (Fraser extracellular matrix complex subunit 1; plus strand). Cytogenetic location: 4q21.21.
Variant type: single nucleotide variant.
Coding change: c.1346G>A on transcript NM_025074.7 (MANE Select); coding-DNA position 1346, G replaced by A.
Protein change: p.Trp449Ter; replaces tryptophan 449 with a stop codon.
Molecular consequence: nonsense.
Genome position (GRCh38, 1-based): chr4:78,284,495, G>A. VCF-style: chr4-78284495-G-A. GRCh37 (hg19) VCF-style: chr4-79205649-G-A.
Other names: c.1346G>A, p.Trp449Ter (NM_001166133.2); short protein forms W449*.
Identifiers: ClinVar variation 2904426 (VCV002904426.4), dbSNP rs1167064690, ClinGen allele CA357366267.